The following is an entry in ClinVar:

ClinVar aggregate classification (germline): Uncertain significance. Review status: criteria provided, multiple submitters, no conflicts (2 of 4 stars). 3 submissions from 3 submitters: Uncertain significance (3). Last evaluated 2025-03-10.

Conditions:
Familial infantile bilateral striatal necrosis (FBSN). Also called: BILATERAL STRIATAL NECROSIS, INFANTILE. Identifiers: Orphanet 225154, MedGen C4087174, MONDO:0010080, OMIM 271930.

Allele frequency attached by ClinVar (database versions not stated): ExAC 0.00004; gnomAD 0.00003 and 0.00004; TOPMed 0.00004; gnomAD exomes 0.00010 and 0.00005.
gnomAD v4.1: 156 of 1,613,694 alleles (0.0097%); highest among the groups gnomAD compares: Non-Finnish European, 0.012%; no homozygotes.

Submissions (3):

Ambry Genetics
Classification: Uncertain significance. Last evaluated: 2025-03-10. Review status: criteria provided, single submitter. Criteria: Ambry Variant Classification Scheme 2023. Collection method: clinical testing. Allele origin: germline.

Labcorp Genetics (formerly Invitae), Labcorp
Classification: Uncertain significance. Last evaluated: 2024-10-22. Review status: criteria provided, single submitter. Criteria: Invitae Variant Classification Sherloc (09022015). Collection method: clinical testing. Allele origin: germline.
Comment: This sequence change replaces phenylalanine, which is neutral and non-polar, with serine, which is neutral and polar, at codon 142 of the NUP62 protein (p.Phe142Ser). This variant is present in population databases (rs774836417, gnomAD 0.007%). This variant has not been reported in the literature in individuals affected with NUP62-related conditions. ClinVar contains an entry for this variant (Variation ID: 1446291). An algorithm developed to predict the effect of missense changes on protein structure and function (PolyPhen-2) suggests that this variant is likely to be disruptive. In summary, the available evidence is currently insufficient to determine the role of this variant in disease. Therefore, it has been classified as a Variant of Uncertain Significance.

Department of Pathology and Laboratory Medicine, Sinai Health System
Classification: Uncertain significance for Familial infantile bilateral striatal necrosis. Last evaluated: 2021-07-30. Review status: criteria provided, single submitter. Criteria: ACMG Guidelines, 2015. Collection method: research. Allele origin: germline.

NM_016553.5(NUP62):c.425T>C (p.Phe142Ser)

Genes: IL4I1 (interleukin 4 induced 1; minus strand), NUP62 (nucleoporin 62; minus strand). Cytogenetic location: 19q13.33.
Variant type: single nucleotide variant.
Coding change: c.425T>C on transcript NM_016553.5 (MANE Select); coding-DNA position 425, T replaced by C.
Protein change: p.Phe142Ser; replaces phenylalanine 142 with serine.
Molecular consequence: missense variant. On other transcripts: intron variant (3).
Genome position (GRCh38, 1-based): chr19:49,909,383, A>G on the plus strand (T>C on the coding strand, the complement: NUP62 is on the minus strand). VCF-style: chr19-49909383-A-G. GRCh37 (hg19) VCF-style: chr19-50412640-A-G.
Other names: c.425T>C, p.Phe142Ser (NM_001193357.2, NM_012346.5, NM_153718.4 and 1 more transcripts); c.-227-5062T>C (NM_001258017.2, NM_172374.3); c.-285-5062T>C (NM_001258018.2); short protein forms F142S.
Identifiers: ClinVar variation 1446291 (VCV001446291.11), dbSNP rs774836417, ClinGen allele CA9589139.